The following is an entry in ClinVar:

NM_001365999.1(SZT2):c.6961C>T (p.Pro2321Ser)

Gene: SZT2 (SZT2 subunit of KICSTOR complex; plus strand). Cytogenetic location: 1p34.2.
Variant type: single nucleotide variant.
Coding change: c.6961C>T on transcript NM_001365999.1 (MANE Select); coding-DNA position 6961, C replaced by T.
Protein change: p.Pro2321Ser; replaces proline 2321 with serine.
Molecular consequence: missense variant.
Genome position (GRCh38, 1-based): chr1:43,439,688, C>T. VCF-style: chr1-43439688-C-T. GRCh37 (hg19) VCF-style: chr1-43905359-C-T.
Other names: p.Pro2264Ser; c.6790C>T, p.Pro2264Ser (NM_015284.4); short protein forms P2264S, P2321S.
Identifiers: ClinVar variation 653422 (VCV000653422.34), dbSNP rs776699964, ClinGen allele CA810067.

ClinVar aggregate classification (germline): Conflicting classifications of pathogenicity. Review status: criteria provided, conflicting classifications (1 of 4 stars). 5 submissions from 5 submitters: Uncertain significance (4); Likely benign (1). Last evaluated 2024-12-28.

Allele frequency attached by ClinVar (database versions not stated): ExAC 0.00008; gnomAD exomes 0.00010 and 0.00014; gnomAD 0.00013 and 0.00014; TOPMed 0.00017.
gnomAD v4.1: 160 of 1,611,826 alleles (0.0099%); highest among the groups gnomAD compares: Non-Finnish European, 0.013%; no homozygotes.

Submissions (5):

GeneDx
Classification: Uncertain significance. Last evaluated: 2024-12-28. Review status: criteria provided, single submitter. Criteria: GeneDx Variant Classification Process June 2021. Collection method: clinical testing. Allele origin: germline. Affected: yes.
Comment: In silico analysis indicates that this missense variant does not alter protein structure/function; Has not been previously published as pathogenic or benign to our knowledge

Blueprint Genetics
Classification: Uncertain significance. Last evaluated: 2024-08-09. Review status: criteria provided, single submitter. Criteria: ACMG Guidelines, 2015. Collection method: clinical testing. Allele origin: germline.

CeGaT Center for Human Genetics Tuebingen
Classification: Likely benign. Last evaluated: 2023-04-01. Review status: criteria provided, single submitter. Criteria: CeGaT Center For Human Genetics Tuebingen Variant Classification Criteria Version 2. Collection method: clinical testing. Allele origin: germline. Affected: yes. Observed: 1 variant allele.
Comment: SZT2: BP4

Labcorp Genetics (formerly Invitae), Labcorp
Classification: Uncertain significance. Last evaluated: 2022-08-20. Review status: criteria provided, single submitter. Criteria: Invitae Variant Classification Sherloc (09022015). Collection method: clinical testing. Allele origin: germline.
Comment: This sequence change replaces proline, which is neutral and non-polar, with serine, which is neutral and polar, at codon 2264 of the SZT2 protein (p.Pro2264Ser). This variant is present in population databases (rs776699964, gnomAD 0.03%). This variant has not been reported in the literature in individuals affected with SZT2-related conditions. ClinVar contains an entry for this variant (Variation ID: 653422). Algorithms developed to predict the effect of missense changes on protein structure and function output the following: SIFT: "Tolerated"; PolyPhen-2: "Benign"; Align-GVGD: "Class C0". The serine amino acid residue is found in multiple mammalian species, which suggests that this missense change does not adversely affect protein function. In summary, the available evidence is currently insufficient to determine the role of this variant in disease. Therefore, it has been classified as a Variant of Uncertain Significance.

Mayo Clinic Laboratories, Mayo Clinic
Classification: Uncertain significance. Last evaluated: 2022-06-29. Review status: criteria provided, single submitter. Criteria: ACMG Guidelines, 2015. Collection method: clinical testing. Allele origin: germline. Observed: 1 variant allele.
Comment: BP4, PM2